The following is an entry in ClinVar:

ClinVar aggregate classification (germline): Pathogenic (1 of 4 stars; one submission).

Conditions:
Hereditary cancer-predisposing syndrome. Also called: Neoplastic Syndromes, Hereditary; Tumor predisposition; Hereditary Cancer Syndrome; Hereditary neoplastic syndrome. Identifiers: Orphanet 140162, MedGen C0027672, MeSH D009386, MONDO:0015356.

Submission:

Ambry Genetics
Classification: Pathogenic for Hereditary cancer-predisposing syndrome. Last evaluated: 2025-12-30. Review status: criteria provided, single submitter. Criteria: Ambry Variant Classification Scheme 2023. Collection method: clinical testing. Allele origin: germline.
Comment: The c.1607delG pathogenic mutation, located in coding exon 12 of the SDHA gene, results from a deletion of one nucleotide at nucleotide position 1607, causing a translational frameshift with a predicted alternate stop codon (p.C536Lfs*11). This variant was reported in individual(s) with features consistent with SDHA-related hereditary pheochromocytoma-paraganglioma (Verginelli F et al. Acta Neuropathol, 2018 May;135:779-798). This variant is considered to be rare based on population cohorts in the Genome Aggregation Database (gnomAD). This alteration is expected to result in loss of function by premature protein truncation or nonsense-mediated mRNA decay. As such, this alteration is interpreted as a disease-causing mutation.

Literature cited by the submitters: PubMed 29305721.

NM_004168.4(SDHA):c.1607del (p.Cys536fs)

Gene: SDHA (succinate dehydrogenase complex flavoprotein subunit A; plus strand). Cytogenetic location: 5p15.33.
Variant type: Deletion.
Coding change: c.1607del on transcript NM_004168.4 (MANE Select); coding-DNA position 1607, one base deleted (G; older notation c.1607delG).
Protein change: p.Cys536fs; shifts the reading frame from cysteine 536.
Molecular consequence: frameshift variant. On other transcripts: intron variant (1).
Genome position (GRCh38, 1-based): chr5:251,047, G deleted. VCF-style (leftmost placement, unchanged base first): chr5-251046-TG-T. GRCh37 (hg19) VCF-style: chr5-251161-TG-T.
Other names: c.1463del, p.Cys488fs (NM_001294332.2); c.1552-3346del (NM_001330758.2); short protein forms C536fs, C488fs.
Identifiers: ClinVar variation 4843551 (VCV004843551.1).